The following is an entry in ClinVar:

NM_001035.3(RYR2):c.7795T>C (p.Leu2599=)

Gene: RYR2 (ryanodine receptor 2; plus strand). Cytogenetic location: 1q43.
Variant type: single nucleotide variant.
Coding change: c.7795T>C on transcript NM_001035.3 (MANE Select); coding-DNA position 7795, T replaced by C.
Protein change: p.Leu2599=; no amino-acid change (leucine 2599 retained).
Molecular consequence: synonymous variant.
Genome position (GRCh38, 1-based): chr1:237,651,472, T>C. VCF-style: chr1-237651472-T-C. GRCh37 (hg19) VCF-style: chr1-237814772-T-C.
Identifiers: ClinVar variation 1332083 (VCV001332083.3), dbSNP rs527974959, ClinGen allele CA087495.

ClinVar aggregate classification (germline): Likely benign. Review status: criteria provided, multiple submitters, no conflicts (2 of 4 stars). 2 submissions from 2 submitters: Likely benign (2). Last evaluated 2023-12-07.

Conditions:
Catecholaminergic polymorphic ventricular tachycardia (CVPT). Also called: Catecholamine-induced polymorphic ventricular tachycardia. Identifiers: Orphanet 3286, MedGen C5574922, MONDO:0017990.
Cardiomyopathy (CMYO). Also called: Cardiomyopathies. Identifiers: Orphanet 167848, MedGen C0878544, MONDO:0004994, HP:0001638. Inheritance: Various modes of inheritance.

Allele frequency attached by ClinVar (database versions not stated): gnomAD exomes 0.00001 and 0.00002; gnomAD 0.00002; ExAC 0.00004; 1000 Genomes Project 0.00020; 1000 Genomes Project 30x 0.00031.
gnomAD v4.1: 11 of 1,587,294 alleles (0.00069%); highest among the groups gnomAD compares: South Asian, 0.012%; no homozygotes.

Submissions (2):

All of Us Research Program, National Institutes of Health
Classification: Likely benign for Catecholaminergic polymorphic ventricular tachycardia. Last evaluated: 2023-12-07. Review status: criteria provided, single submitter. Criteria: ACMG Guidelines, 2015. Collection method: clinical testing. Allele origin: germline. Inheritance: Autosomal dominant inheritance. Observed: 1 variant allele, 1 heterozygote.
Comment: This study involves interpretation of variants in research participants for the purpose of population health screening. Participant phenotype was not available at the time of variant classification. Additional details can be found in publication PMID: 35346344, PMCID: PMC8962531

Color Diagnostics, LLC DBA Color Health
Classification: Likely benign for Cardiomyopathy. Last evaluated: 2021-08-09. Review status: criteria provided, single submitter. Criteria: ACMG Guidelines, 2015. Collection method: clinical testing. Allele origin: germline.